The following is an entry in ClinVar:

ClinVar aggregate classification (germline): Uncertain significance (1 of 4 stars; one submission).

Submission:

Dasa
Classification: Uncertain significance. Last evaluated: 2025-08-02. Review status: criteria provided, single submitter. Criteria: DASA Assertion Criteria. Collection method: clinical testing. Allele origin: germline.
Comment: NM_006035.4(CDC42BPB):c.176C>G (p.Ala59Gly) is a missense variant that results in the substitution of alanine with glycine. This variant is rare in population databases. The currently available literature and clinical evidence are not sufficient to establish a definitive association between this variant and the reported condition. Therefore, this variant is classified as a variant of uncertain significance.

NM_006035.4(CDC42BPB):c.176C>G (p.Ala59Gly)

Gene: CDC42BPB (CDC42 binding protein kinase beta; minus strand). Cytogenetic location: 14q32.32.
Variant type: single nucleotide variant.
Coding change: c.176C>G on transcript NM_006035.4 (MANE Select); coding-DNA position 176, C replaced by G.
Protein change: p.Ala59Gly; replaces alanine 59 with glycine.
Molecular consequence: missense variant.
Genome position (GRCh38, 1-based): chr14:103,012,188, G>C on the plus strand (C>G on the coding strand, the complement: CDC42BPB is on the minus strand). VCF-style: chr14-103012188-G-C. GRCh37 (hg19) VCF-style: chr14-103478525-G-C.
Other names: c.176C>G, p.Ala59Gly (NM_001411054.1); short protein forms A59G.
Identifiers: ClinVar variation 4885833 (VCV004885833.2).